The following is an entry in ClinVar:

ClinVar aggregate classification (germline): Uncertain significance. Review status: criteria provided, multiple submitters, no conflicts (2 of 4 stars). 2 submissions from 2 submitters: Uncertain significance (2). Last evaluated 2025-10-29.

Conditions:
Spermatogenic failure 18. Identifiers: MedGen C4539783, MONDO:0054615, OMIM 617576.
Ciliary dyskinesia, primary, 37 (CILD37). Also called: CILIARY DYSKINESIA, PRIMARY, 37, WITH OR WITHOUT SITUS INVERSUS. Identifiers: MedGen C4539798, MONDO:0033204, OMIM 617577.

Allele frequency attached by ClinVar (database versions not stated): ExAC 0.00008; gnomAD exomes 0.00004.
gnomAD v4.1: 62 of 1,568,864 alleles (0.004%); highest among the groups gnomAD compares: East Asian, 0.0071%; no homozygotes.

Submissions (2):

Labcorp Genetics (formerly Invitae), Labcorp
Classification: Uncertain significance for Ciliary dyskinesia, primary, 37; Spermatogenic failure 18. Last evaluated: 2025-10-29. Review status: criteria provided, single submitter. Criteria: Invitae Variant Classification Sherloc (09022015). Collection method: clinical testing. Allele origin: germline.
Comment: This sequence change replaces alanine, which is neutral and non-polar, with threonine, which is neutral and polar, at codon 1439 of the DNAH1 protein (p.Ala1439Thr). This variant is present in population databases (rs768831672, gnomAD 0.02%). This variant has not been reported in the literature in individuals affected with DNAH1-related conditions. ClinVar contains an entry for this variant (Variation ID: 1502952). Invitae Evidence Modeling of protein sequence and biophysical properties (such as structural, functional, and spatial information, amino acid conservation, physicochemical variation, residue mobility, and thermodynamic stability) indicates that this missense variant is not expected to disrupt DNAH1 protein function with a negative predictive value of 80%. In summary, the available evidence is currently insufficient to determine the role of this variant in disease. Therefore, it has been classified as a Variant of Uncertain Significance.

Ambry Genetics
Classification: Uncertain significance. Last evaluated: 2022-11-08. Review status: criteria provided, single submitter. Criteria: Ambry Variant Classification Scheme 2023. Collection method: clinical testing. Allele origin: germline.

NM_015512.5(DNAH1):c.4315G>A (p.Ala1439Thr)

Gene: DNAH1 (dynein axonemal heavy chain 1; plus strand). Cytogenetic location: 3p21.1.
Variant type: single nucleotide variant.
Coding change: c.4315G>A on transcript NM_015512.5 (MANE Select); coding-DNA position 4315, G replaced by A.
Protein change: p.Ala1439Thr; replaces alanine 1439 with threonine.
Molecular consequence: missense variant.
Genome position (GRCh38, 1-based): chr3:52,359,294, G>A. VCF-style: chr3-52359294-G-A. GRCh37 (hg19) VCF-style: chr3-52393310-G-A.
Other names: c.4315G>A (NM_015512.4); short protein forms A1439T.
Identifiers: ClinVar variation 1502952 (VCV001502952.7), dbSNP rs768831672, ClinGen allele CA2433874.